The following is an entry in ClinVar:

ClinVar aggregate classification (germline): Uncertain significance (1 of 4 stars; one submission).

Conditions:
Specific granule deficiency. Identifiers: Orphanet 169142, MedGen C0398593, MONDO:0009506.

Allele frequency attached by ClinVar (database versions not stated): ExAC 0.00001; gnomAD 0.00001; gnomAD exomes 0.00001; TOPMed 0.00002.

Submission:

Labcorp Genetics (formerly Invitae), Labcorp
Classification: Uncertain significance for Specific granule deficiency. Last evaluated: 2022-05-30. Review status: criteria provided, single submitter. Criteria: Invitae Variant Classification Sherloc (09022015). Collection method: clinical testing. Allele origin: germline.
Comment: This sequence change replaces arginine, which is basic and polar, with tryptophan, which is neutral and slightly polar, at codon 125 of the CEBPE protein (p.Arg125Trp). The frequency data for this variant in the population databases is considered unreliable, as metrics indicate poor data quality at this position in the gnomAD database. This variant has not been reported in the literature in individuals affected with CEBPE-related conditions. ClinVar contains an entry for this variant (Variation ID: 662588). Algorithms developed to predict the effect of missense changes on protein structure and function are either unavailable or do not agree on the potential impact of this missense change (SIFT: "Deleterious"; PolyPhen-2: "Possibly Damaging"; Align-GVGD: "Class C15"). In summary, the available evidence is currently insufficient to determine the role of this variant in disease. Therefore, it has been classified as a Variant of Uncertain Significance.

NM_001805.4(CEBPE):c.373C>T (p.Arg125Trp)

Gene: CEBPE (CCAAT enhancer binding protein epsilon; minus strand). Cytogenetic location: 14q11.2.
Variant type: single nucleotide variant.
Coding change: c.373C>T on transcript NM_001805.4 (MANE Select); coding-DNA position 373, C replaced by T.
Protein change: p.Arg125Trp; replaces arginine 125 with tryptophan.
Molecular consequence: missense variant.
Genome position (GRCh38, 1-based): chr14:23,118,719, G>A on the plus strand (C>T on the coding strand, the complement: CEBPE is on the minus strand). VCF-style: chr14-23118719-G-A. GRCh37 (hg19) VCF-style: chr14-23587928-G-A.
Other names: short protein forms R125W.
Identifiers: ClinVar variation 662588 (VCV000662588.6), dbSNP rs762474250, ClinGen allele CA7111225.
Genomic context (GRCh38, chr14:23,118,719, plus strand): 5'-CTTGGTACTGCAGGGGATTGTAGCTGCCTCGGCTGGCAGCTCGGCTGCCCTCTGGCCCCC[G>A]GGGCTCCTCCTTCACCGCCACAGCCCTGGGGTCGTAGCTCCCTGGGCTGCTGTAGATGCC-3'
Protein context (NP_001796.2, residues 115-135): PRAVAVKEEP[Arg125Trp]GPEGSRAASR